The following is an entry in ClinVar:

ClinVar aggregate classification (germline): Pathogenic (0 of 4 stars; one submission).

Conditions:
Intellectual disability. Also called: Intellectual functioning disability; intellectual disabilities; Intellectual developmental disorder. Identifiers: MedGen C3714756, MeSH D008607, MONDO:0001071, HP:0001249.

Submission:

Institute of Human Genetics, University of Leipzig Medical Center
Classification: Pathogenic for Intellectual disability. Last evaluated: 2021-02-25. Review status: no assertion criteria provided. Collection method: clinical testing. Allele origin: unknown. Inheritance: Autosomal dominant inheritance. Affected: yes. Observed: 1 variant allele, 1 heterozygote.
Comment: Inheritance was not applicable (heterozygous). The variant was reviewed according to current ClinGen recommendations and classified as Pathogenic (criteria: 1A(0), 2A(1), 3A(0), 4M(0.3), 5F(0), Total score=1.3).

Single allele

Genes: ADRA2B (adrenoceptor alpha 2B; minus strand), ANKRD36B (ankyrin repeat domain 36B; minus strand), ANKRD39 (ankyrin repeat domain 39; minus strand), ARID5A (AT-rich interaction domain 5A; plus strand), ASTL (astacin like metalloendopeptidase; minus strand) and 17 more. Cytogenetic location: 2q11.1-11.2.
Variant type: Deletion.
Identifiers: ClinVar variation 997821 (VCV000997821.1).